The following is an entry in ClinVar:

NM_015512.5(DNAH1):c.12626A>G (p.Gln4209Arg)

Gene: DNAH1 (dynein axonemal heavy chain 1; plus strand). Cytogenetic location: 3p21.1.
Variant type: single nucleotide variant.
Coding change: c.12626A>G on transcript NM_015512.5 (MANE Select); coding-DNA position 12626, A replaced by G.
Protein change: p.Gln4209Arg; replaces glutamine 4209 with arginine.
Molecular consequence: missense variant.
Genome position (GRCh38, 1-based): chr3:52,399,729, A>G. VCF-style: chr3-52399729-A-G. GRCh37 (hg19) VCF-style: chr3-52433745-A-G.
Other names: short protein forms Q4209R.
Identifiers: ClinVar variation 478410 (VCV000478410.15), dbSNP rs202094249, ClinGen allele CA2436521.

ClinVar aggregate classification (germline): Benign/Likely benign. Review status: criteria provided, multiple submitters, no conflicts (2 of 4 stars). 4 submissions from 4 submitters: Benign (3); Likely benign (1). Last evaluated 2026-08-01.

Conditions:
Spermatogenic failure 18. Identifiers: MedGen C4539783, MONDO:0054615, OMIM 617576.
Ciliary dyskinesia, primary, 37 (CILD37). Also called: CILIARY DYSKINESIA, PRIMARY, 37, WITH OR WITHOUT SITUS INVERSUS. Identifiers: MedGen C4539798, MONDO:0033204, OMIM 617577.

Allele frequency attached by ClinVar (database versions not stated): gnomAD 0.00025 and 0.00026; gnomAD exomes 0.00033 and 0.00175; 1000 Genomes Project 0.00040; 1000 Genomes Project 30x 0.00062; TOPMed 0.00078; ExAC 0.00136.
gnomAD v4.1: 512 of 1,614,022 alleles (0.032%); highest among the groups gnomAD compares: Admixed American, 0.84%; 7 homozygotes.

Submissions (4):

CeGaT Center for Human Genetics Tuebingen
Classification: Likely benign. Last evaluated: 2026-08-01. Review status: criteria provided, single submitter. Criteria: CeGaT Center For Human Genetics Tuebingen Variant Classification Criteria Version 2. Collection method: clinical testing. Allele origin: germline. Affected: yes. Observed: 2 variant alleles.
Comment: DNAH1: BP4

Labcorp Genetics (formerly Invitae), Labcorp
Classification: Benign for Ciliary dyskinesia, primary, 37; Spermatogenic failure 18. Last evaluated: 2026-01-22. Review status: criteria provided, single submitter. Criteria: Invitae Variant Classification Sherloc (09022015). Collection method: clinical testing. Allele origin: germline.

ARUP Laboratories, Molecular Genetics and Genomics, ARUP Laboratories
Classification: Benign. Last evaluated: 2022-03-09. Review status: criteria provided, single submitter. Criteria: ARUP Molecular Germline Variant Investigation Process 2021. Collection method: clinical testing. Allele origin: germline.

Breakthrough Genomics
Classification: Benign. Review status: criteria provided, single submitter. Criteria: ACMG Guidelines, 2015. Collection method: not provided. Allele origin: germline. Inheritance: Autosomal recessive inheritance. Affected: yes.